The following is an entry in ClinVar:

Single allele

Genes: CYP51A1 (cytochrome P450 family 51 subfamily A member 1; minus strand), CYP51A1-AS1 (CYP51A1 antisense RNA 1; plus strand), FZD1 (frizzled class receptor 1; plus strand), MTERF1 (mitochondrial transcription termination factor 1; minus strand), NCF1 (neutrophil cytosolic factor 1; plus strand) and 88 more. Cytogenetic location: 7q11.23-21.3.
Variant type: Deletion.
Identifiers: ClinVar variation 560111 (VCV000560111.3).

ClinVar aggregate classification (germline): no classifications from unflagged records (0 of 4 stars; one submission).

Submission:

Geisinger Autism and Developmental Medicine Institute, Geisinger Health System
Classification: Uncertain significance. Last evaluated: 2018-03-22. Review status: flagged submission. Criteria: ACMG CNV Guidelines, 2011. Collection method: provider interpretation. Allele origin: paternal.
Comment: The deletion overlaps with the Williams-Beuren critical region but does not include the ELN gene. The effect of this deletion is unclear.
ClinVar note: Notes: This submission was flagged because its interpretation of this variant conflicts with the ClinGen Gene Dosage Map curation for the gene ABCB4.
ClinVar note: Reason: Conflict with ClinGen Gene Dosage Map